The following is an entry in ClinVar:

ClinVar aggregate classification (germline): Uncertain significance (1 of 4 stars; one submission).

Allele frequency attached by ClinVar (database versions not stated): gnomAD 0.00001; TOPMed 0.00001; 1000 Genomes Project 30x 0.00016.
gnomAD v4.1: 6 of 1,549,540 alleles (0.00039%); highest among the groups gnomAD compares: African/African-American, 0.0068%; no homozygotes.

Submission:

Labcorp Genetics (formerly Invitae), Labcorp
Classification: Uncertain significance. Last evaluated: 2023-10-22. Review status: criteria provided, single submitter. Criteria: Invitae Variant Classification Sherloc (09022015). Collection method: clinical testing. Allele origin: germline.
Comment: This sequence change replaces proline, which is neutral and non-polar, with leucine, which is neutral and non-polar, at codon 369 of the RIMS1 protein (p.Pro369Leu). The frequency data for this variant in the population databases is considered unreliable, as metrics indicate poor data quality at this position in the gnomAD database. This variant has not been reported in the literature in individuals affected with RIMS1-related conditions. ClinVar contains an entry for this variant (Variation ID: 1009343). An algorithm developed to predict the effect of missense changes on protein structure and function (PolyPhen-2) suggests that this variant is likely to be tolerated. In summary, the available evidence is currently insufficient to determine the role of this variant in disease. Therefore, it has been classified as a Variant of Uncertain Significance.

NM_014989.7(RIMS1):c.1106C>T (p.Pro369Leu)

Gene: RIMS1 (regulating synaptic membrane exocytosis 1; plus strand). Cytogenetic location: 6q13.
Variant type: single nucleotide variant.
Coding change: c.1106C>T on transcript NM_014989.7 (MANE Select); coding-DNA position 1106, C replaced by T.
Protein change: p.Pro369Leu; replaces proline 369 with leucine.
Molecular consequence: missense variant.
Genome position (GRCh38, 1-based): chr6:72,182,577, C>T. VCF-style: chr6-72182577-C-T. GRCh37 (hg19) VCF-style: chr6-72892280-C-T.
Other names: short protein forms P369L.
Identifiers: ClinVar variation 1009343 (VCV001009343.9), dbSNP rs199847427, ClinGen allele CA3885653.